The following is an entry in ClinVar:

NM_001122630.2(CDKN1C):c.*5+15C>T

Gene: CDKN1C (cyclin dependent kinase inhibitor 1C; minus strand). Cytogenetic location: 11p15.4.
Variant type: single nucleotide variant.
Coding change: c.*5+15C>T on transcript NM_001122630.2 (MANE Select); 15 bases into the intron after 5 bases downstream of the stop codon, C replaced by T.
Molecular consequence: intron variant.
Genome position (GRCh38, 1-based): chr11:2,883,984, G>A on the plus strand (C>T on the coding strand, the complement: CDKN1C is on the minus strand). VCF-style: chr11-2883984-G-A. GRCh37 (hg19) VCF-style: chr11-2905214-G-A.
Other names: c.391+15C>T (NM_001362475.2); c.*5+15C>T (NM_001122631.2, NM_001362474.2, NM_000076.2).
Identifiers: ClinVar variation 3030749 (VCV003030749.2), dbSNP rs2133779842, ClinGen allele CA2612013713.

ClinVar aggregate classification (germline): Likely benign (0 of 4 stars; one submission).

Conditions:
CDKN1C-related disorder. Also called: CDKN1C-related condition.

Submission:

PreventionGenetics, part of Exact Sciences
Classification: Likely benign for CDKN1C-related condition. Last evaluated: 2022-09-15. Review status: no assertion criteria provided. Collection method: clinical testing. Allele origin: germline.
Comment: This variant is classified as likely benign based on ACMG/AMP sequence variant interpretation guidelines (Richards et al. 2015 PMID: 25741868, with internal and published modifications).